The following is an entry in ClinVar:

ClinVar aggregate classification (germline): Uncertain significance (1 of 4 stars; one submission).

Submission:

Labcorp Genetics (formerly Invitae), Labcorp
Classification: Uncertain significance. Last evaluated: 2025-05-07. Review status: criteria provided, single submitter. Criteria: Invitae Variant Classification Sherloc (09022015). Collection method: clinical testing. Allele origin: germline.
Comment: This sequence change replaces glycine, which is neutral and non-polar, with arginine, which is basic and polar, at codon 1399 of the COL11A1 protein (p.Gly1399Arg). This variant is not present in population databases (gnomAD no frequency). This variant has not been reported in the literature in individuals affected with COL11A1-related conditions. ClinVar contains an entry for this variant (Variation ID: 2831926). Invitae Evidence Modeling of protein sequence and biophysical properties (such as structural, functional, and spatial information, amino acid conservation, physicochemical variation, residue mobility, and thermodynamic stability) indicates that this missense variant is expected to disrupt COL11A1 protein function with a positive predictive value of 80%. In summary, the available evidence is currently insufficient to determine the role of this variant in disease. Therefore, it has been classified as a Variant of Uncertain Significance.

NM_001854.4(COL11A1):c.4195G>C (p.Gly1399Arg)

Gene: COL11A1 (collagen type XI alpha 1 chain; minus strand). Cytogenetic location: 1p21.1.
Variant type: single nucleotide variant.
Coding change: c.4195G>C on transcript NM_001854.4 (MANE Select); coding-DNA position 4195, G replaced by C.
Protein change: p.Gly1399Arg; replaces glycine 1399 with arginine.
Molecular consequence: missense variant. On other transcripts: non-coding transcript variant (1).
Genome position (GRCh38, 1-based): chr1:102,898,719, C>G on the plus strand (G>C on the coding strand, the complement: COL11A1 is on the minus strand). VCF-style: chr1-102898719-C-G. GRCh37 (hg19) VCF-style: chr1-103364275-C-G.
Other names: c.3847G>C, p.Gly1283Arg (NM_001168249.1, NM_080630.4); c.4078G>C, p.Gly1360Arg (NM_001190709.2); c.4231G>C, p.Gly1411Arg (NM_080629.3); short protein forms G1283R, G1360R, G1399R, G1411R.
Identifiers: ClinVar variation 2831926 (VCV002831926.3), dbSNP rs2524335117, ClinGen allele CA341155348.